The following is an entry in ClinVar:

NM_005045.4(RELN):c.4346A>C (p.Glu1449Ala)

Gene: RELN (reelin; minus strand). Cytogenetic location: 7q22.1.
Variant type: single nucleotide variant.
Coding change: c.4346A>C on transcript NM_005045.4 (MANE Select); coding-DNA position 4346, A replaced by C.
Protein change: p.Glu1449Ala; replaces glutamic acid 1449 with alanine.
Molecular consequence: missense variant.
Genome position (GRCh38, 1-based): chr7:103,574,257, T>G on the plus strand (A>C on the coding strand, the complement: RELN is on the minus strand). VCF-style: chr7-103574257-T-G. GRCh37 (hg19) VCF-style: chr7-103214704-T-G.
Other names: c.4346A>C, p.Glu1449Ala (NM_173054.3); short protein forms E1449A.
Identifiers: ClinVar variation 1460489 (VCV001460489.6), dbSNP rs2117205481, ClinGen allele CA368751796.

ClinVar aggregate classification (germline): Uncertain significance (1 of 4 stars; one submission).

Conditions:
Norman-Roberts syndrome (LIS2). Also called: Lissencephaly 2 (Norman-Roberts type). Identifiers: Orphanet 89844, MedGen C0796089, MONDO:0009760, OMIM 257320.
Familial temporal lobe epilepsy 7. Identifiers: Orphanet 101046, MedGen C4225327, MONDO:0014639, OMIM 616436.

Submission:

Labcorp Genetics (formerly Invitae), Labcorp
Classification: Uncertain significance for Familial temporal lobe epilepsy 7; Norman-Roberts syndrome. Last evaluated: 2024-02-12. Review status: criteria provided, single submitter. Criteria: Invitae Variant Classification Sherloc (09022015). Collection method: clinical testing. Allele origin: germline.
Comment: This sequence change replaces glutamic acid, which is acidic and polar, with alanine, which is neutral and non-polar, at codon 1449 of the RELN protein (p.Glu1449Ala). This variant is not present in population databases (gnomAD no frequency). This variant has not been reported in the literature in individuals affected with RELN-related conditions. ClinVar contains an entry for this variant (Variation ID: 1460489). Advanced modeling of protein sequence and biophysical properties (such as structural, functional, and spatial information, amino acid conservation, physicochemical variation, residue mobility, and thermodynamic stability) performed at Invitae indicates that this missense variant is not expected to disrupt RELN protein function with a negative predictive value of 80%. In summary, the available evidence is currently insufficient to determine the role of this variant in disease. Therefore, it has been classified as a Variant of Uncertain Significance.